The following is an entry in ClinVar:

ClinVar aggregate classification (germline): Benign/Likely benign. Review status: criteria provided, multiple submitters, no conflicts (2 of 4 stars). 8 submissions from 8 submitters: Benign (2); Likely benign (3). 3 of the submissions do not count toward it. Last evaluated 2026-10-01.

Conditions:
Episodic ataxia type 5. Identifiers: Orphanet 211067, MedGen C1866039, MONDO:0013464, OMIM 613855.

Allele frequency attached by ClinVar (database versions not stated): gnomAD 0.00314 and 0.00309; gnomAD exomes 0.00515 and 0.00346; 1000 Genomes Project 30x 0.00125; TOPMed 0.00319; ExAC 0.00519; 1000 Genomes Project 0.00080; ESP Exome Variant Server 0.00512.
gnomAD v4.1: 7,809 of 1,588,164 alleles (0.49%); highest among the groups gnomAD compares: Non-Finnish European, 0.58%; 29 homozygotes.

Submissions (8):

CeGaT Center for Human Genetics Tuebingen
Classification: Likely benign. Last evaluated: 2026-10-01. Review status: criteria provided, single submitter. Criteria: CeGaT Center For Human Genetics Tuebingen Variant Classification Criteria Version 2. Collection method: clinical testing. Allele origin: germline. Affected: yes. Observed: 6 variant alleles.
Comment: CACNB4: BS2

Blueprint Genetics
Classification: Likely benign. Last evaluated: 2024-11-22. Review status: criteria provided, single submitter. Criteria: ACMG Guidelines, 2015. Collection method: clinical testing. Allele origin: germline.

Illumina Laboratory Services, Illumina
Classification: Benign for Episodic ataxia type 5. Last evaluated: 2018-01-13. Review status: criteria provided, single submitter. Criteria: ICSL Variant Classification Criteria 13 December 2019. Collection method: clinical testing. Allele origin: germline.
Comment: This variant was observed in the ICSL laboratory as part of a predisposition screen in an ostensibly healthy population. It had not been previously curated by ICSL or reported in the Human Gene Mutation Database (HGMD: prior to June 1st, 2018), and was therefore a candidate for classification through an automated scoring system. Utilizing variant allele frequency, disease prevalence and penetrance estimates, and inheritance mode, an automated score was calculated to assess if this variant is too frequent to cause the disease. Based on the score and internal cut-off values, a variant classified as benign is not then subjected to further curation. The score for this variant resulted in a classification of benign for this disease.

GeneDx
Classification: Benign. Last evaluated: 2012-03-19. Review status: criteria provided, single submitter. Criteria: GeneDx Variant Classification (06012015). Collection method: clinical testing. Allele origin: germline. Affected: yes.
Comment: This variant is considered likely benign or benign based on one or more of the following criteria: it is a conservative change, it occurs at a poorly conserved position in the protein, it is predicted to be benign by multiple in silico algorithms, and/or has population frequency not consistent with disease.

Breakthrough Genomics
Classification: Likely benign. Review status: criteria provided, single submitter. Criteria: ACMG Guidelines, 2015. Collection method: not provided. Allele origin: germline. Inheritance: Autosomal dominant inheritance. Affected: yes.

Clinical Genetics DNA and cytogenetics Diagnostics Lab, Erasmus MC, Erasmus Medical Center
Classification: Likely benign. Review status: no assertion criteria provided. Collection method: clinical testing. Allele origin: germline. Affected: yes. Study: VKGL Data-share Consensus. Not counted in ClinVar's aggregate classification.

Genome Diagnostics Laboratory, University Medical Center Utrecht
Classification: Benign. Review status: no assertion criteria provided. Collection method: clinical testing. Allele origin: germline. Affected: yes. Study: VKGL Data-share Consensus. Not counted in ClinVar's aggregate classification.

Laboratory of Diagnostic Genome Analysis, Leiden University Medical Center (LUMC)
Classification: Likely benign. Review status: no assertion criteria provided. Collection method: clinical testing. Allele origin: germline. Affected: yes. Study: VKGL Data-share Consensus. Not counted in ClinVar's aggregate classification.

NM_000726.5(CACNB4):c.599-15G>A

Gene: CACNB4 (calcium voltage-gated channel auxiliary subunit beta 4; minus strand). Cytogenetic location: 2q23.3.
Variant type: single nucleotide variant.
Coding change: c.599-15G>A on transcript NM_000726.5 (MANE Select); 15 bases into the intron before coding-DNA position 599, G replaced by A.
Molecular consequence: intron variant.
Genome position (GRCh38, 1-based): chr2:151,870,876, C>T on the plus strand (G>A on the coding strand, the complement: CACNB4 is on the minus strand). VCF-style: chr2-151870876-C-T. GRCh37 (hg19) VCF-style: chr2-152727390-C-T.
Other names: c.599-15G>A (NM_001145798.2); c.545-265G>A (NM_001330113.2); c.545-15G>A (NM_001005746.4); c.497-265G>A (NM_001330115.2); c.497-15G>A (NM_001005747.4); c.458-265G>A (NM_001330116.2); c.-36-265G>A (NM_001330114.2); c.458-15G>A (NM_001320722.3, NM_001330118.1); and 1 more.
Identifiers: ClinVar variation 136651 (VCV000136651.35), dbSNP rs41270209, ClinGen allele CA289952.